The following is an entry in ClinVar:

NM_002055.5(GFAP):c.359T>C (p.Leu120Pro)

Gene: GFAP (glial fibrillary acidic protein; minus strand). Cytogenetic location: 17q21.31.
Variant type: single nucleotide variant.
Coding change: c.359T>C on transcript NM_002055.5 (MANE Select); coding-DNA position 359, T replaced by C.
Protein change: p.Leu120Pro; replaces leucine 120 with proline.
Molecular consequence: missense variant.
Genome position (GRCh38, 1-based): chr17:44,915,128, A>G on the plus strand (T>C on the coding strand, the complement: GFAP is on the minus strand). VCF-style: chr17-44915128-A-G. GRCh37 (hg19) VCF-style: chr17-42992496-A-G.
Other names: c.359T>C, p.Leu120Pro (NM_001131019.3, NM_001242376.3, NM_001363846.2); short protein forms L120P.
Identifiers: ClinVar variation 2699734 (VCV002699734.3), dbSNP rs2508948959, ClinGen allele CA399848253.

ClinVar aggregate classification (germline): Uncertain significance (1 of 4 stars; one submission).

Submission:

Labcorp Genetics (formerly Invitae), Labcorp
Classification: Uncertain significance. Last evaluated: 2023-11-29. Review status: criteria provided, single submitter. Criteria: Invitae Variant Classification Sherloc (09022015). Collection method: clinical testing. Allele origin: germline.
Comment: This sequence change replaces leucine, which is neutral and non-polar, with proline, which is neutral and non-polar, at codon 120 of the GFAP protein (p.Leu120Pro). This variant is not present in population databases (gnomAD no frequency). This variant has not been reported in the literature in individuals affected with GFAP-related conditions. Advanced modeling of protein sequence and biophysical properties (such as structural, functional, and spatial information, amino acid conservation, physicochemical variation, residue mobility, and thermodynamic stability) has been performed at Invitae for this missense variant, however the output from this modeling did not meet the statistical confidence thresholds required to predict the impact of this variant on GFAP protein function. In summary, the available evidence is currently insufficient to determine the role of this variant in disease. Therefore, it has been classified as a Variant of Uncertain Significance.